The following is an entry in ClinVar:

ClinVar aggregate classification (germline): Uncertain significance. Review status: criteria provided, multiple submitters, no conflicts (2 of 4 stars). 2 submissions from 2 submitters: Uncertain significance (2). Last evaluated 2023-12-03.

Conditions:
Colorectal cancer, hereditary nonpolyposis, type 7. Identifiers: Orphanet 144, MedGen C1858380, MONDO:0013725, OMIM 614385.

Submissions (2):

Labcorp Genetics (formerly Invitae), Labcorp
Classification: Uncertain significance for Colorectal cancer, hereditary nonpolyposis, type 7. Last evaluated: 2023-12-03. Review status: criteria provided, single submitter. Criteria: Invitae Variant Classification Sherloc (09022015). Collection method: clinical testing. Allele origin: germline.
Comment: This sequence change replaces lysine, which is basic and polar, with glutamic acid, which is acidic and polar, at codon 795 of the MLH3 protein (p.Lys795Glu). This variant is not present in population databases (gnomAD no frequency). This variant has not been reported in the literature in individuals affected with MLH3-related conditions. ClinVar contains an entry for this variant (Variation ID: 1790464). An algorithm developed to predict the effect of missense changes on protein structure and function (PolyPhen-2) suggests that this variant is likely to be tolerated. In summary, the available evidence is currently insufficient to determine the role of this variant in disease. Therefore, it has been classified as a Variant of Uncertain Significance.

Ambry Genetics
Classification: Uncertain significance. Last evaluated: 2021-10-13. Review status: criteria provided, single submitter. Criteria: Ambry Variant Classification Scheme 2023. Collection method: clinical testing. Allele origin: germline.
Comment: The p.K795E variant (also known as c.2383A>G), located in coding exon 1 of the MLH3 gene, results from an A to G substitution at nucleotide position 2383. The lysine at codon 795 is replaced by glutamic acid, an amino acid with similar properties. This amino acid position is conserved. In addition, this alteration is predicted to be tolerated by in silico analysis. Since supporting evidence is limited at this time, the clinical significance of this alteration remains unclear.

NM_001040108.2(MLH3):c.2383A>G (p.Lys795Glu)

Gene: MLH3 (mutL homolog 3; minus strand). Cytogenetic location: 14q24.3.
Variant type: single nucleotide variant.
Coding change: c.2383A>G on transcript NM_001040108.2 (MANE Select); coding-DNA position 2383, A replaced by G.
Protein change: p.Lys795Glu; replaces lysine 795 with glutamic acid.
Molecular consequence: missense variant.
Genome position (GRCh38, 1-based): chr14:75,047,273, T>C on the plus strand (A>G on the coding strand, the complement: MLH3 is on the minus strand). VCF-style: chr14-75047273-T-C. GRCh37 (hg19) VCF-style: chr14-75513976-T-C.
Other names: c.2383A>G, p.Lys795Glu (NM_014381.3); short protein forms K795E.
Identifiers: ClinVar variation 1790464 (VCV001790464.5), dbSNP rs2503271531, ClinGen allele CA390440817.